The following is an entry in ClinVar:

NM_006846.4(SPINK5):c.2215C>T (p.Gln739Ter)

Gene: SPINK5 (serine peptidase inhibitor Kazal type 5; plus strand). Cytogenetic location: 5q32.
Variant type: single nucleotide variant.
Coding change: c.2215C>T on transcript NM_006846.4 (MANE Select); coding-DNA position 2215, C replaced by T.
Protein change: p.Gln739Ter; replaces glutamine 739 with a stop codon.
Molecular consequence: nonsense.
Genome position (GRCh38, 1-based): chr5:148,118,539, C>T. VCF-style: chr5-148118539-C-T. GRCh37 (hg19) VCF-style: chr5-147498102-C-T.
Other names: c.2215C>T, p.Gln739Ter (NM_001127698.2, NM_001127699.2); short protein forms Q739*.
Identifiers: ClinVar variation 452099 (VCV000452099.2), dbSNP rs766028970, ClinGen allele CA3495898.

ClinVar aggregate classification (germline): Pathogenic (1 of 4 stars; one submission).

Allele frequency attached by ClinVar (database versions not stated): gnomAD exomes below 0.00001; ExAC 0.00001.
gnomAD v4.1: 1 of 1,614,104 alleles (0.000062%); highest among the groups gnomAD compares: South Asian, 0.0011%; no homozygotes.

Submission:

GeneDx
Classification: Pathogenic. Last evaluated: 2017-09-11. Review status: criteria provided, single submitter. Criteria: GeneDx Variant Classification (06012015). Collection method: clinical testing. Allele origin: germline. Affected: yes.
Comment: The Q739X variant in the SPINK5 gene has not been published as a pathogenic variant or as a benign variant. This variant is predicted to cause loss of normal protein function either through protein truncation or nonsense-mediated mRNA decay. Additionally, the Q739X variant is not observed at a significant frequency in large population cohorts (Lek et al., 2016; 1000 Genomes Consortium et al., 2015; Exome Variant Server).